The following is an entry in ClinVar:

ClinVar aggregate classification (germline): Likely benign. Review status: criteria provided, multiple submitters, no conflicts (2 of 4 stars). 4 submissions from 4 submitters: Likely benign (2). 2 of the submissions do not count toward it. Last evaluated 2025-12-08.

Conditions:
Primary ciliary dyskinesia. Also called: Ciliary dyskinesia. Identifiers: Orphanet 244, MedGen C0008780, MONDO:0016575, HP:0012265.
DNAI2-related disorder. Also called: DNAI2-related condition.

Allele frequency attached by ClinVar (database versions not stated): gnomAD exomes 0.00002 and 0.00007; ExAC 0.00003; TOPMed 0.00005; gnomAD 0.00008; ESP Exome Variant Server 0.00015.
gnomAD v4.1: 108 of 1,613,298 alleles (0.0067%); highest among the groups gnomAD compares: Middle Eastern, 0.049%; no homozygotes.

Submissions (4):

Labcorp Genetics (formerly Invitae), Labcorp
Classification: Likely benign for Primary ciliary dyskinesia. Last evaluated: 2025-12-08. Review status: criteria provided, single submitter. Criteria: Invitae Variant Classification Sherloc (09022015). Collection method: clinical testing. Allele origin: germline.

Ambry Genetics
Classification: Likely benign for Primary ciliary dyskinesia. Last evaluated: 2023-11-26. Review status: criteria provided, single submitter. Criteria: Ambry Variant Classification Scheme 2023. Collection method: clinical testing. Allele origin: germline.

Natera, Inc.
Classification: Uncertain significance for Primary ciliary dyskinesia. Last evaluated: 2020-01-24. Review status: no assertion criteria provided. Collection method: clinical testing. Allele origin: germline. Not counted in ClinVar's aggregate classification.

PreventionGenetics, part of Exact Sciences
Classification: Likely benign for DNAI2-related condition. Last evaluated: 2019-05-09. Review status: no assertion criteria provided. Collection method: clinical testing. Allele origin: germline. Not counted in ClinVar's aggregate classification.
Comment: This variant is classified as likely benign based on ACMG/AMP sequence variant interpretation guidelines (Richards et al. 2015 PMID: 25741868, with internal and published modifications).

NM_023036.6(DNAI2):c.855G>A (p.Thr285=)

Gene: DNAI2 (dynein axonemal intermediate chain 2; plus strand). Cytogenetic location: 17q25.1.
Variant type: single nucleotide variant.
Coding change: c.855G>A on transcript NM_023036.6 (MANE Select); coding-DNA position 855, G replaced by A.
Protein change: p.Thr285=; no amino-acid change (threonine 285 retained).
Molecular consequence: synonymous variant. On other transcripts: non-coding transcript variant (1).
Genome position (GRCh38, 1-based): chr17:74,299,848, G>A. VCF-style: chr17-74299848-G-A. GRCh37 (hg19) VCF-style: chr17-72295987-G-A.
Other names: c.855G>A, p.Thr285= (NM_001172810.3, NM_001353167.2).
Identifiers: ClinVar variation 967478 (VCV000967478.13), dbSNP rs144909415, ClinGen allele CA8745509.